The following is an entry in ClinVar:

NM_015330.6(SPECC1L):c.2392C>T (p.Arg798Cys)

Genes: SPECC1L (sperm antigen with calponin homology and coiled-coil domains 1 like; plus strand), SPECC1L-ADORA2A (SPECC1L-ADORA2A readthrough (NMD candidate); plus strand). Cytogenetic location: 22q11.23.
Variant type: single nucleotide variant.
Coding change: c.2392C>T on transcript NM_015330.6 (MANE Select); coding-DNA position 2392, C replaced by T.
Protein change: p.Arg798Cys; replaces arginine 798 with cysteine.
Molecular consequence: missense variant. On other transcripts: non-coding transcript variant (1).
Genome position (GRCh38, 1-based): chr22:24,330,427, C>T. VCF-style: chr22-24330427-C-T. GRCh37 (hg19) VCF-style: chr22-24726395-C-T.
Other names: c.2392C>T, p.Arg798Cys (NM_001145468.4, NM_001254732.3); short protein forms R798C.
Identifiers: ClinVar variation 3604259 (VCV003604259.2).

ClinVar aggregate classification (germline): Uncertain significance (1 of 4 stars; one submission).

gnomAD v4.1: 23 of 1,613,946 alleles (0.0014%); highest among the groups gnomAD compares: Admixed American, 0.005%; no homozygotes.

Submission:

Labcorp Genetics (formerly Invitae), Labcorp
Classification: Uncertain significance. Last evaluated: 2024-08-03. Review status: criteria provided, single submitter. Criteria: Invitae Variant Classification Sherloc (09022015). Collection method: clinical testing. Allele origin: germline.
Comment: This sequence change replaces arginine, which is basic and polar, with cysteine, which is neutral and slightly polar, at codon 798 of the SPECC1L protein (p.Arg798Cys). This variant is present in population databases (rs763869909, gnomAD 0.003%). This variant has not been reported in the literature in individuals affected with SPECC1L-related conditions. An algorithm developed to predict the effect of missense changes on protein structure and function (PolyPhen-2) suggests that this variant is likely to be disruptive. In summary, the available evidence is currently insufficient to determine the role of this variant in disease. Therefore, it has been classified as a Variant of Uncertain Significance.